The following is an entry in ClinVar:

NM_006206.6(PDGFRA):c.807C>T (p.Ile269=)

Gene: PDGFRA (platelet derived growth factor receptor alpha; plus strand). Cytogenetic location: 4q12.
Variant type: single nucleotide variant.
Coding change: c.807C>T on transcript NM_006206.6 (MANE Select); coding-DNA position 807, C replaced by T.
Protein change: p.Ile269=; no amino-acid change (isoleucine 269 retained).
Molecular consequence: synonymous variant.
Genome position (GRCh38, 1-based): chr4:54,267,336, C>T. VCF-style: chr4-54267336-C-T. GRCh37 (hg19) VCF-style: chr4-55133503-C-T.
Other names: c.807C>T, p.Ile269= (NM_001347827.2, NM_001347829.2); c.882C>T, p.Ile294= (NM_001347828.2); c.846C>T, p.Ile282= (NM_001347830.2).
Identifiers: ClinVar variation 528673 (VCV000528673.12), dbSNP rs1553903217, ClinGen allele CA439286054.

ClinVar aggregate classification (germline): Benign/Likely benign. Review status: criteria provided, multiple submitters, no conflicts (2 of 4 stars). 3 submissions from 3 submitters: Benign (1); Likely benign (2). Last evaluated 2026-06-16.

Conditions:
Polyps, multiple and recurrent inflammatory fibroid, gastrointestinal. Identifiers: MedGen C5193005, MONDO:0008285, OMIM 175510.
Gastrointestinal stromal tumor. Also called: Gastrointestinal stromal tumor, somatic; Gastrointestinal stroma tumor. Identifiers: Orphanet 44890, MedGen C0238198, MeSH D046152, MONDO:0011719, OMIM 606764, HP:0100723.
Hereditary cancer-predisposing syndrome. Also called: Hereditary neoplastic syndrome; Neoplastic Syndromes, Hereditary; Hereditary Cancer Syndrome; Tumor predisposition. Identifiers: Orphanet 140162, MedGen C0027672, MeSH D009386, MONDO:0015356.

Allele frequency attached by ClinVar (database versions not stated): gnomAD exomes 0.00001.
gnomAD v4.1: 7 of 1,614,164 alleles (0.00043%); highest among the groups gnomAD compares: Non-Finnish European, 0.00059%; no homozygotes.

Submissions (3):

Myriad Genetics, Inc.
Classification: Benign for Polyps, multiple and recurrent inflammatory fibroid, gastrointestinal. Last evaluated: 2026-06-16. Review status: criteria provided, single submitter. Criteria: Myriad Autosomal Dominant, Autosomal Recessive and X-Linked Classification Criteria (2023). Collection method: clinical testing. Allele origin: unknown.
Comment: This variant is considered benign. This variant is a silent/synonymous amino acid change and it is not expected to impact splicing.

Labcorp Genetics (formerly Invitae), Labcorp
Classification: Likely benign for Gastrointestinal stromal tumor. Last evaluated: 2022-02-18. Review status: criteria provided, single submitter. Criteria: Invitae Variant Classification Sherloc (09022015). Collection method: clinical testing. Allele origin: germline.

Ambry Genetics
Classification: Likely benign for Hereditary cancer-predisposing syndrome. Last evaluated: 2020-11-14. Review status: criteria provided, single submitter. Criteria: Ambry Variant Classification Scheme 2023. Collection method: clinical testing. Allele origin: germline.